The following is an entry in ClinVar:

NM_006386.5(DDX17):c.1517T>C (p.Ile506Thr)

Gene: DDX17 (DEAD-box helicase 17; minus strand). Cytogenetic location: 22q13.1.
Variant type: single nucleotide variant.
Coding change: c.1517T>C on transcript NM_006386.5 (MANE Select); coding-DNA position 1517, T replaced by C.
Protein change: p.Ile506Thr; replaces isoleucine 506 with threonine.
Molecular consequence: missense variant.
Genome position (GRCh38, 1-based): chr22:38,488,046, A>G on the plus strand (T>C on the coding strand, the complement: DDX17 is on the minus strand). VCF-style: chr22-38488046-A-G. GRCh37 (hg19) VCF-style: chr22-38884051-A-G.
Other names: c.1517T>C, p.Ile506Thr (NM_001098504.2); short protein forms I506T.
Identifiers: ClinVar variation 5009773 (VCV005009773.1).
Genomic context (GRCh38, chr22:38,488,046, plus strand): 5'-TTCCCTGGGGTGAAGAAGGTATAGGCGGTACCCTTGTTGGTGCTACGGGCTGTTCGGCCA[A>G]TACGGTGCACATAATCCTCTGAGCTGTTTGGATAGTCATAGTTGATCACAAACTTGACAT-3'
Protein context (NP_006377.2, residues 496-516): PNSSEDYVHR[Ile506Thr]GRTARSTNKG

ClinVar aggregate classification (germline): Uncertain significance (1 of 4 stars; one submission).

Submission:

GeneDx
Classification: Uncertain significance. Last evaluated: 2026-02-19. Review status: criteria provided, single submitter. Criteria: GeneDx Variant Classification Process June 2021. Collection method: clinical testing. Allele origin: germline.
Comment: Not observed at significant frequency in large population cohorts (gnomAD); In silico analysis supports that this missense variant has a deleterious effect on protein structure/function; Has not been previously published as pathogenic or benign to our knowledge